The following is an entry in ClinVar:

ClinVar aggregate classification (germline): Uncertain significance (1 of 4 stars; one submission).

Conditions:
Hereditary cancer-predisposing syndrome. Also called: Neoplastic Syndromes, Hereditary; Tumor predisposition; Hereditary Cancer Syndrome; Hereditary neoplastic syndrome. Identifiers: Orphanet 140162, MedGen C0027672, MeSH D009386, MONDO:0015356.

Submission:

Ambry Genetics
Classification: Uncertain significance for Hereditary cancer-predisposing syndrome. Last evaluated: 2025-12-08. Review status: criteria provided, single submitter. Criteria: Ambry Variant Classification Scheme 2023. Collection method: clinical testing. Allele origin: germline.
Comment: The p.M1144K variant (also known as c.3431T>A), located in coding exon 5 of the MSH6 gene, results from a T to A substitution at nucleotide position 3431. The methionine at codon 1144 is replaced by lysine, an amino acid with similar properties. This amino acid position is not well conserved in available vertebrate species. In addition, this alteration is predicted to be deleterious by in silico analysis. Based on the available evidence, the clinical significance of this variant remains unclear.

NM_000179.3(MSH6):c.3431T>A (p.Met1144Lys)

Gene: MSH6 (mutS homolog 6; plus strand). Cytogenetic location: 2p16.3.
Variant type: single nucleotide variant.
Coding change: c.3431T>A on transcript NM_000179.3 (MANE Select); coding-DNA position 3431, T replaced by A.
Protein change: p.Met1144Lys; replaces methionine 1144 with lysine.
Molecular consequence: missense variant. On other transcripts: non-coding transcript variant (5).
Genome position (GRCh38, 1-based): chr2:47,803,678, T>A. VCF-style: chr2-47803678-T-A. GRCh37 (hg19) VCF-style: chr2-48030817-T-A.
Other names: c.2525T>A, p.Met842Lys (NM_001406816.1, NM_001406823.1, NM_001406829.1 and 6 more transcripts); c.1865T>A, p.Met622Lys (NM_001406817.1); c.3134T>A, p.Met1045Lys (NM_001406818.1, NM_001406819.1, NM_001406820.1 and 10 more transcripts); c.3263T>A, p.Met1088Lys (NM_001406826.1); c.212T>A, p.Met71Lys (NM_001406831.1); c.278T>A, p.Met93Lys (NM_001406832.1); c.1376T>A, p.Met459Lys (NM_001407362.1); c.3041T>A, p.Met1014Lys (NM_001281492.2); and 7 more; short protein forms M1014K, M1045K, M1118K, M1146K, M842K, M93K, M1144K, M459K.
Identifiers: ClinVar variation 4658251 (VCV004658251.1).
Genomic context (GRCh38, chr2:47,803,678, plus strand): 5'-ATGGCAAAGCCTATTGTGTGCTTGTTACTGGACCAAATATGGGGGGCAAGTCTACGCTTA[T>A]GAGACAGGTAACTGATTCTTAAAGTTTTGTTATCAGAAAGTCATTTGTGACATTAGGAAT-3'
Protein context (NP_000170.1, residues 1134-1154): GPNMGGKSTL[Met1144Lys]RQAGLLAVMA